The following is an entry in ClinVar:

ClinVar aggregate classification (germline): other (0 of 4 stars; one submission).

Conditions:
Familial colorectal cancer. Identifiers: MedGen CN280943, MONDO:0023113. Disease mechanism: loss of function.

Submission:

Systems Biology Platform Zhejiang California International NanoSystems Institute
Classification: other for Familial colorectal cancer. Review status: no assertion criteria provided. Collection method: not provided. Allele origin: unknown.
ClinVar note: Converted during submission from cancer to other.

NM_000038.6(APC):c.2386T>G (p.Tyr796Asp)

Gene: APC (APC regulator of WNT signaling pathway; plus strand). Cytogenetic location: 5q22.2.
Variant type: single nucleotide variant.
Coding change: c.2386T>G on transcript NM_000038.6 (MANE Select); coding-DNA position 2386, T replaced by G.
Protein change: p.Tyr796Asp; replaces tyrosine 796 with aspartic acid.
Molecular consequence: missense variant.
Genome position (GRCh38, 1-based): chr5:112,837,980, T>G. VCF-style: chr5-112837980-T-G. GRCh37 (hg19) VCF-style: chr5-112173677-T-G.
Other names: c.2386T>G, p.Tyr796Asp (NM_001127510.3, NM_001354895.2); c.2332T>G, p.Tyr778Asp (NM_001127511.3); c.2440T>G, p.Tyr814Asp (NM_001354896.2); c.2416T>G, p.Tyr806Asp (NM_001354897.2); c.2311T>G, p.Tyr771Asp (NM_001354898.2); c.2302T>G, p.Tyr768Asp (NM_001354899.2); c.2263T>G, p.Tyr755Asp (NM_001354900.2); c.2209T>G, p.Tyr737Asp (NM_001354901.2); and 5 more; short protein forms Y778D, Y796D, Y670D, Y737D, Y814D, Y513D, Y695D, Y705D.
Identifiers: ClinVar variation 83235 (VCV000083235.2), dbSNP rs77985571, ClinGen allele CA007407.
Genomic context (GRCh38, chr5:112,837,980, plus strand): 5'-ATAGACAATTTAAGTCCCAAGGCATCTCATCGTAGTAAGCAGAGACACAAGCAAAGTCTC[T>G]ATGGTGATTATGTTTTTGACACCAATCGACATGATGATAATAGGTCAGACAATTTTAATA-3'
Protein context (NP_000029.2, residues 786-806): RSKQRHKQSL[Tyr796Asp]GDYVFDTNRH